The following is an entry in ClinVar:

NM_015103.3(PLXND1):c.5081A>G (p.His1694Arg)

Gene: PLXND1 (plexin D1; minus strand). Cytogenetic location: 3q22.1.
Variant type: single nucleotide variant.
Coding change: c.5081A>G on transcript NM_015103.3 (MANE Select); coding-DNA position 5081, A replaced by G.
Protein change: p.His1694Arg; replaces histidine 1694 with arginine.
Molecular consequence: missense variant.
Genome position (GRCh38, 1-based): chr3:129,560,382, T>C on the plus strand (A>G on the coding strand, the complement: PLXND1 is on the minus strand). VCF-style: chr3-129560382-T-C. GRCh37 (hg19) VCF-style: chr3-129279225-T-C.
Other names: short protein forms H1694R.
Identifiers: ClinVar variation 978156 (VCV000978156.4), dbSNP rs761108683, ClinGen allele CA2607976.
Genomic context (GRCh38, chr3:129,560,382, plus strand): 5'-GGACTCACCTTGGTGGAGAGCAGGCGGGTCAGGTAGATTTCCGGGAGCACCTTCTTGCGA[T>C]GGCTCTGCCGGTGAGACTTCTTGGGCTCCGCCAGCTCGTCCGTAGGCAGCACCTGGGAGG-3'
Protein context (NP_055918.3, residues 1684-1704): AEPKKSHRQS[His1694Arg]RKKVLPEIYL

ClinVar aggregate classification (germline): Uncertain significance. Review status: criteria provided, multiple submitters, no conflicts (2 of 4 stars). 4 submissions from 4 submitters: Uncertain significance (4). Last evaluated 2025-08-28.

Conditions:
Congenital heart defects, multiple types, 9 (CHTD9). Identifiers: MedGen C5830367, MONDO:0859532, OMIM 620294.

Allele frequency attached by ClinVar (database versions not stated): gnomAD exomes below 0.00001 and 0.00001; ExAC 0.00001; gnomAD 0.00002; TOPMed 0.00007.

Submissions (4):

Ambry Genetics
Classification: Uncertain significance. Last evaluated: 2025-08-28. Review status: criteria provided, single submitter. Criteria: Ambry Variant Classification Scheme 2023. Collection method: clinical testing. Allele origin: germline.

Laboratorio de Genetica e Diagnostico Molecular, Hospital Israelita Albert Einstein
Classification: Uncertain significance for Congenital heart defects, multiple types, 9. Last evaluated: 2024-12-03. Review status: criteria provided, single submitter. Criteria: ACMG Guidelines, 2015. Collection method: clinical testing. Allele origin: germline. Affected: yes.
Comment: ACMG classification criteria: PM2 supporting, BP4 supporting

Mendelics
Classification: Uncertain significance. Last evaluated: 2022-05-04. Review status: criteria provided, single submitter. Criteria: Mendelics Assertion Criteria 2019. Collection method: clinical testing. Allele origin: germline.

New York Genome Center
Classification: Uncertain significance. Last evaluated: 2019-12-13. Review status: criteria provided, single submitter. Criteria: NYGC Assertion Criteria 2020. Collection method: clinical testing. Allele origin: paternal. Inheritance: Autosomal dominant inheritance. Affected: yes. Observed: 1 heterozygote. Study: CSER-NYCKidSeq. Segregation with disease not observed.